The following is an entry in ClinVar:

NM_000124.4(ERCC6):c.3564_3565del (p.His1188fs)

Gene: ERCC6 (ERCC excision repair 6, chromatin remodeling factor; minus strand). Cytogenetic location: 10q11.23.
Variant type: Deletion.
Coding change: c.3564_3565del on transcript NM_000124.4 (MANE Select); coding-DNA positions 3564 to 3565, 2 bases deleted (TA; older notation c.3564_3565delTA).
Protein change: p.His1188fs; shifts the reading frame from histidine 1188.
Molecular consequence: frameshift variant.
Genome position (GRCh38, 1-based): chr10:49,470,395-49,470,396, TA deleted on the plus strand (TA on the coding strand, the reverse complement: ERCC6 is on the minus strand); deleting any 2 consecutive bases within chr10:49,470,395-49,470,397 gives the same sequence; the c. name uses the placement nearest the transcript's 3' end. VCF-style (leftmost placement, unchanged base first): chr10-49470394-CTA-C. GRCh37 (hg19) VCF-style: chr10-50678440-CTA-C.
Other names: c.3564_3565del, p.His1188fs (NM_001346440.2); short protein forms H1188fs.
Identifiers: ClinVar variation 1384450 (VCV001384450.6), dbSNP rs2132536979, ClinGen allele CA2573145156.

ClinVar aggregate classification (germline): Pathogenic (1 of 4 stars; one submission).

Submission:

Labcorp Genetics (formerly Invitae), Labcorp
Classification: Pathogenic. Last evaluated: 2021-05-21. Review status: criteria provided, single submitter. Criteria: Invitae Variant Classification Sherloc (09022015). Collection method: clinical testing. Allele origin: germline.
Comment: This sequence change creates a premature translational stop signal (p.His1188Glnfs*19) in the ERCC6 gene. It is expected to result in an absent or disrupted protein product. Loss-of-function variants in ERCC6 are known to be pathogenic (PMID: 18628313, 29572252). This variant is not present in population databases (ExAC no frequency). This variant has not been reported in the literature in individuals with ERCC6-related conditions. For these reasons, this variant has been classified as Pathogenic.

Literature cited by the submitters: PubMed 18628313; PubMed 29572252.